The following is an entry in ClinVar:

ClinVar aggregate classification (germline): Uncertain significance. Review status: criteria provided, multiple submitters, no conflicts (2 of 4 stars). 2 submissions from 2 submitters: Uncertain significance (2). Last evaluated 2026-01-12.

Conditions:
Imerslund-Grasbeck syndrome. Also called: ENTEROCYTE COBALAMIN MALABSORPTION; ENTEROCYTE INTRINSIC FACTOR RECEPTOR, DEFECT OF; PERNICIOUS ANEMIA, JUVENILE, DUE TO SELECTIVE INTESTINAL MALABSORPTION OF VITAMIN B12, WITH PROTEINURIA; Megaloblastic anemia due to inborn errors of metabolism; Imerslund-Gräsbeck syndrome. Identifiers: Orphanet 35858, MedGen C4551825, MONDO:0009853.

gnomAD v4.1: 2 of 1,613,308 alleles (0.00012%); highest among the groups gnomAD compares: Admixed American, 0.0033%; no homozygotes.

Submissions (2):

Dasa
Classification: Uncertain significance. Last evaluated: 2026-01-12. Review status: criteria provided, single submitter. Criteria: DASA Assertion Criteria. Collection method: clinical testing. Allele origin: germline.
Comment: NM_001081.4(CUBN):c.3931C>G (p.Arg1311Gly) is a missense variant that results in the substitution of arginine with glycine. This variant is rare in population databases. Computational prediction algorithms are consistent with a benign effect. The currently available literature and clinical evidence are not sufficient to establish a definitive association between this variant and the reported condition. Therefore, this variant is classified as a variant of uncertain significance.

Labcorp Genetics (formerly Invitae), Labcorp
Classification: Uncertain significance for Imerslund-Grasbeck syndrome. Last evaluated: 2025-08-27. Review status: criteria provided, single submitter. Criteria: Invitae Variant Classification Sherloc (09022015). Collection method: clinical testing. Allele origin: germline.
Comment: This sequence change replaces arginine, which is basic and polar, with glycine, which is neutral and non-polar, at codon 1311 of the CUBN protein (p.Arg1311Gly). This variant is present in population databases (no rsID available, gnomAD 0.003%). This variant has not been reported in the literature in individuals affected with CUBN-related conditions. ClinVar contains an entry for this variant (Variation ID: 1971844). Invitae Evidence Modeling of protein sequence and biophysical properties (such as structural, functional, and spatial information, amino acid conservation, physicochemical variation, residue mobility, and thermodynamic stability) indicates that this missense variant is not expected to disrupt CUBN protein function with a negative predictive value of 80%. In summary, the available evidence is currently insufficient to determine the role of this variant in disease. Therefore, it has been classified as a Variant of Uncertain Significance.

NM_001081.4(CUBN):c.3931C>G (p.Arg1311Gly)

Gene: CUBN (cubilin; minus strand). Cytogenetic location: 10p13.
Variant type: single nucleotide variant.
Coding change: c.3931C>G on transcript NM_001081.4 (MANE Select); coding-DNA position 3931, C replaced by G.
Protein change: p.Arg1311Gly; replaces arginine 1311 with glycine.
Molecular consequence: missense variant.
Genome position (GRCh38, 1-based): chr10:17,041,119, G>C on the plus strand (C>G on the coding strand, the complement: CUBN is on the minus strand). VCF-style: chr10-17041119-G-C. GRCh37 (hg19) VCF-style: chr10-17083118-G-C.
Other names: short protein forms R1311G.
Identifiers: ClinVar variation 1971844 (VCV001971844.7), dbSNP rs776683073, ClinGen allele CA203600405.